The following is an entry in ClinVar:

NM_006384.4(CIB1):c.506A>G (p.Asn169Ser)

Gene: CIB1 (calcium and integrin binding 1; minus strand). Cytogenetic location: 15q26.1.
Variant type: single nucleotide variant.
Coding change: c.506A>G on transcript NM_006384.4 (MANE Select); coding-DNA position 506, A replaced by G.
Protein change: p.Asn169Ser; replaces asparagine 169 with serine.
Molecular consequence: missense variant. On other transcripts: non-coding transcript variant (2).
Genome position (GRCh38, 1-based): chr15:90,230,982, T>C on the plus strand (A>G on the coding strand, the complement: CIB1 is on the minus strand). VCF-style: chr15-90230982-T-C. GRCh37 (hg19) VCF-style: chr15-90774214-T-C.
Other names: c.626A>G, p.Asn209Ser (NM_001277764.2); c.506A>G (NM_006384.3); short protein forms N169S, N209S.
Identifiers: ClinVar variation 1501036 (VCV001501036.6), dbSNP rs1476470839, ClinGen allele CA393813663.

ClinVar aggregate classification (germline): Uncertain significance. Review status: criteria provided, multiple submitters, no conflicts (2 of 4 stars). 2 submissions from 2 submitters: Uncertain significance (2). Last evaluated 2025-11-26.

Allele frequency attached by ClinVar (database versions not stated): TOPMed below 0.00001; gnomAD exomes below 0.00001.
gnomAD v4.1: 6 of 1,613,984 alleles (0.00037%); highest among the groups gnomAD compares: Non-Finnish European, 0.00025%; no homozygotes.

Submissions (2):

Ambry Genetics
Classification: Uncertain significance. Last evaluated: 2025-11-26. Review status: criteria provided, single submitter. Criteria: Ambry Variant Classification Scheme 2023. Collection method: clinical testing. Allele origin: germline.

Labcorp Genetics (formerly Invitae), Labcorp
Classification: Uncertain significance. Last evaluated: 2022-07-06. Review status: criteria provided, single submitter. Criteria: Invitae Variant Classification Sherloc (09022015). Collection method: clinical testing. Allele origin: germline.
Comment: This sequence change replaces asparagine, which is neutral and polar, with serine, which is neutral and polar, at codon 209 of the CIB1 protein (p.Asn209Ser). This variant is present in population databases (no rsID available, gnomAD 0.01%). This variant has not been reported in the literature in individuals affected with CIB1-related conditions. ClinVar contains an entry for this variant (Variation ID: 1501036). Algorithms developed to predict the effect of missense changes on protein structure and function are either unavailable or do not agree on the potential impact of this missense change (SIFT: "Deleterious"; PolyPhen-2: "Not Available"; Align-GVGD: "Class C15"). In summary, the available evidence is currently insufficient to determine the role of this variant in disease. Therefore, it has been classified as a Variant of Uncertain Significance.